The following is an entry in ClinVar:

NM_001235.5(SERPINH1):c.*117G>A

Gene: SERPINH1 (serpin family H member 1; plus strand). Cytogenetic location: 11q13.5.
Variant type: single nucleotide variant.
Coding change: c.*117G>A on transcript NM_001235.5 (MANE Select); 117 bases downstream of the stop codon, G replaced by A.
Molecular consequence: 3 prime UTR variant.
Genome position (GRCh38, 1-based): chr11:75,572,200, G>A. VCF-style: chr11-75572200-G-A. GRCh37 (hg19) VCF-style: chr11-75283245-G-A.
Other names: c.*117G>A (NM_001207014.3).
Identifiers: ClinVar variation 882024 (VCV000882024.4), dbSNP rs184623179, ClinGen allele CA224662539.

ClinVar aggregate classification (germline): Likely benign (1 of 4 stars; one submission).

Conditions:
Osteogenesis imperfecta type 10 (OI10). Also called: OI, TYPE X. Identifiers: Orphanet 666, MedGen C3151211, MONDO:0013459, OMIM 613848.

Allele frequency attached by ClinVar (database versions not stated): gnomAD exomes 0.00019; gnomAD 0.00171 and 0.00174; 1000 Genomes Project 30x 0.00203; TOPMed 0.00203; 1000 Genomes Project 0.00240.
gnomAD v4.1: 435 of 1,022,282 alleles (0.043%); highest among the groups gnomAD compares: African/African-American, 0.59%; 3 homozygotes.

Submission:

Illumina Laboratory Services, Illumina
Classification: Likely benign for Osteogenesis imperfecta type 10. Last evaluated: 2018-01-12. Review status: criteria provided, single submitter. Criteria: ICSL Variant Classification Criteria 13 December 2019. Collection method: clinical testing. Allele origin: germline.
Comment: This variant was observed in the ICSL laboratory as part of a predisposition screen in an ostensibly healthy population. It had not been previously curated by ICSL or reported in the Human Gene Mutation Database (HGMD: prior to June 1st, 2018), and was therefore a candidate for classification through an automated scoring system. Utilizing variant allele frequency, disease prevalence and penetrance estimates, and inheritance mode, an automated score was calculated to assess if this variant is too frequent to cause the disease. Based on the score and internal cut-off values, a variant classified as likely benign is not then subjected to further curation. The score for this variant resulted in a classification of likely benign for this disease.